The following is an entry in ClinVar:

NM_004621.6(TRPC6):c.2088C>T (p.Asn696=)

Gene: TRPC6 (transient receptor potential cation channel subfamily C member 6; minus strand). Cytogenetic location: 11q22.1.
Variant type: single nucleotide variant.
Coding change: c.2088C>T on transcript NM_004621.6 (MANE Select); coding-DNA position 2088, C replaced by T.
Protein change: p.Asn696=; no amino-acid change (asparagine 696 retained).
Molecular consequence: synonymous variant.
Genome position (GRCh38, 1-based): chr11:101,472,254, G>A on the plus strand (C>T on the coding strand, the complement: TRPC6 is on the minus strand). VCF-style: chr11-101472254-G-A. GRCh37 (hg19) VCF-style: chr11-101342985-G-A.
Other names: p.Asn696=.
Identifiers: ClinVar variation 301902 (VCV000301902.24), dbSNP rs61739601, ClinGen allele CA6244211.

ClinVar aggregate classification (germline): Benign/Likely benign. Review status: criteria provided, multiple submitters, no conflicts (2 of 4 stars). 8 submissions from 8 submitters: Benign (4); Likely benign (4). Last evaluated 2026-02-01.

Conditions:
Focal segmental glomerulosclerosis 2 (FSGS2). Identifiers: Orphanet 656, MedGen C1858915, MONDO:0011390, OMIM 603965.
Focal segmental glomerulosclerosis (FSGS). Also called: Glomerulosclerosis, focal; Focal sclerosis with hyalinosis. Identifiers: MedGen C0017668, MONDO:0100313, HP:0000097. Disease mechanism: loss of function.

Allele frequency attached by ClinVar (database versions not stated): gnomAD exomes 0.00069 and 0.00180; ExAC 0.00234; 1000 Genomes Project 0.00719; gnomAD 0.00743 and 0.00801; 1000 Genomes Project 30x 0.00781; TOPMed 0.00802; ESP Exome Variant Server 0.00816.
gnomAD v4.1: 2,164 of 1,613,220 alleles (0.13%); highest among the groups gnomAD compares: African/African-American, 2.6%; 26 homozygotes.

Submissions (8):

Labcorp Genetics (formerly Invitae), Labcorp
Classification: Benign. Last evaluated: 2026-02-01. Review status: criteria provided, single submitter. Criteria: Invitae Variant Classification Sherloc (09022015). Collection method: clinical testing. Allele origin: germline.

Mayo Clinic Laboratories, Mayo Clinic
Classification: Likely benign. Last evaluated: 2025-08-17. Review status: criteria provided, single submitter. Criteria: ACMG Guidelines, 2015. Collection method: clinical testing. Allele origin: germline. Observed: 3 variant alleles.
Comment: BS1, BP4, BP7

Genome Diagnostics Laboratory, The Hospital for Sick Children
Classification: Benign for Focal segmental glomerulosclerosis. Last evaluated: 2021-10-18. Review status: criteria provided, single submitter. Criteria: ACMG Guidelines, 2015. Collection method: clinical testing. Allele origin: germline.

Fulgent Genetics
Classification: Likely benign for Focal segmental glomerulosclerosis 2. Last evaluated: 2021-07-26. Review status: criteria provided, single submitter. Criteria: ACMG Guidelines, 2015. Collection method: clinical testing. Allele origin: unknown.

GeneDx
Classification: Likely benign. Last evaluated: 2020-03-15. Review status: criteria provided, single submitter. Criteria: GeneDx Variant Classification Process June 2021. Collection method: clinical testing. Allele origin: germline. Affected: yes.

Athena Diagnostics
Classification: Benign. Last evaluated: 2020-03-04. Review status: criteria provided, single submitter. Criteria: Athena Diagnostics Criteria. Collection method: clinical testing. Allele origin: unknown.

Illumina Laboratory Services, Illumina
Classification: Benign for Focal segmental glomerulosclerosis 2. Last evaluated: 2018-01-13. Review status: criteria provided, single submitter. Criteria: ICSL Variant Classification Criteria 13 December 2019. Collection method: clinical testing. Allele origin: germline.
Comment: This variant was observed in the ICSL laboratory as part of a predisposition screen in an ostensibly healthy population. It had not been previously curated by ICSL or reported in the Human Gene Mutation Database (HGMD: prior to June 1st, 2018), and was therefore a candidate for classification through an automated scoring system. Utilizing variant allele frequency, disease prevalence and penetrance estimates, and inheritance mode, an automated score was calculated to assess if this variant is too frequent to cause the disease. Based on the score and internal cut-off values, a variant classified as benign is not then subjected to further curation. The score for this variant resulted in a classification of benign for this disease.

Breakthrough Genomics
Classification: Likely benign. Review status: criteria provided, single submitter. Criteria: ACMG Guidelines, 2015. Collection method: not provided. Allele origin: germline. Inheritance: Autosomal dominant inheritance. Affected: yes.